The following is an entry in ClinVar:

ClinVar aggregate classification (germline): Conflicting classifications of pathogenicity. Review status: criteria provided, conflicting classifications (1 of 4 stars). 2 submissions from 2 submitters: Uncertain significance (1); Likely benign (1). Last evaluated 2023-03-23.

Conditions:
Hereditary cancer-predisposing syndrome. Also called: Neoplastic Syndromes, Hereditary; Hereditary Cancer Syndrome; Tumor predisposition; Hereditary neoplastic syndrome. Identifiers: Orphanet 140162, MedGen C0027672, MeSH D009386, MONDO:0015356.

gnomAD v4.1: 1 of 1,590,330 alleles (0.000063%); highest among the groups gnomAD compares: Non-Finnish European, 0.000085%; no homozygotes.

Submissions (2):

University of Washington Department of Laboratory Medicine, University of Washington
Classification: Likely benign for Hereditary cancer-predisposing syndrome. Last evaluated: 2023-03-23. Review status: criteria provided, single submitter. Criteria: Dines et al. (Genet Med. 2020). Collection method: curation. Allele origin: germline.
Comment: Missense variant in a coldspot region where missense variants are very unlikely to be pathogenic (PMID:31911673).

BRCA2 exon 11 coldspot. Reclassification based on statistical prior probability.

Women's Health and Genetics/Laboratory Corporation of America, LabCorp
Classification: Uncertain significance. Last evaluated: 2019-10-22. Review status: criteria provided, single submitter. Criteria: LabCorp Variant Classification Summary - May 2015. Collection method: clinical testing. Allele origin: germline.
Comment: Variant summary: BRCA2 c.5003C>T (p.Ala1668Val) results in a non-conservative amino acid change in the encoded protein sequence. Three of five in-silico tools predict a benign effect of the variant on protein function. The variant was absent in 233528 control chromosomes (gnomAD). The available data on variant occurrences in the general population are insufficient to allow any conclusion about variant significance. To our knowledge, no occurrence of c.5003C>T in individuals affected with Hereditary Breast and Ovarian Cancer and no experimental evidence demonstrating its impact on protein function have been reported. No clinical diagnostic laboratories have submitted clinical-significance assessments for this variant to ClinVar after 2014. Based on the evidence outlined above, the variant was classified as uncertain significance.

NM_000059.4(BRCA2):c.5003C>T (p.Ala1668Val)

Gene: BRCA2 (BRCA2 DNA repair associated; plus strand). Cytogenetic location: 13q13.1.
Variant type: single nucleotide variant.
Coding change: c.5003C>T on transcript NM_000059.4 (MANE Select); coding-DNA position 5003, C replaced by T.
Protein change: p.Ala1668Val; replaces alanine 1668 with valine.
Molecular consequence: missense variant.
Genome position (GRCh38, 1-based): chr13:32,339,358, C>T. VCF-style: chr13-32339358-C-T. GRCh37 (hg19) VCF-style: chr13-32913495-C-T.
Other names: short protein forms A1668V.
Identifiers: ClinVar variation 928866 (VCV000928866.3), dbSNP rs80358724, ClinGen allele CA387783929.